The following is an entry in ClinVar:

ClinVar aggregate classification (germline): Uncertain significance (1 of 4 stars; one submission).

Allele frequency attached by ClinVar (database versions not stated): gnomAD exomes 0.00001 and 0.00002; ExAC 0.00002.

Submission:

Labcorp Genetics (formerly Invitae), Labcorp
Classification: Uncertain significance. Last evaluated: 2020-12-28. Review status: criteria provided, single submitter. Criteria: Invitae Variant Classification Sherloc (09022015). Collection method: clinical testing. Allele origin: germline.
Comment: This sequence change replaces glutamic acid with lysine at codon 1161 of the PCLO protein (p.Glu1161Lys). The glutamic acid residue is weakly conserved and there is a small physicochemical difference between glutamic acid and lysine. This variant is present in population databases (rs758680991, ExAC 0.03%). This variant has not been reported in the literature in individuals with PCLO-related conditions. Experimental studies and prediction algorithms are not available or were not evaluated, and the functional significance of this variant is currently unknown. In summary, the available evidence is currently insufficient to determine the role of this variant in disease. Therefore, it has been classified as a Variant of Uncertain Significance.

NM_033026.6(PCLO):c.3481G>A (p.Glu1161Lys)

Gene: PCLO (piccolo presynaptic cytomatrix protein; minus strand). Cytogenetic location: 7q21.11.
Variant type: single nucleotide variant.
Coding change: c.3481G>A on transcript NM_033026.6 (MANE Select); coding-DNA position 3481, G replaced by A.
Protein change: p.Glu1161Lys; replaces glutamic acid 1161 with lysine.
Molecular consequence: missense variant.
Genome position (GRCh38, 1-based): chr7:82,966,307, C>T on the plus strand (G>A on the coding strand, the complement: PCLO is on the minus strand). VCF-style: chr7-82966307-C-T. GRCh37 (hg19) VCF-style: chr7-82595623-C-T.
Other names: c.3481G>A, p.Glu1161Lys (NM_014510.3); short protein forms E1161K.
Identifiers: ClinVar variation 1431952 (VCV001431952.3), dbSNP rs758680991, ClinGen allele CA4321029.